The following is an entry in ClinVar:

NM_001385641.1(SAMD11):c.87G>C (p.Pro29=)

Genes: SAMD11 (sterile alpha motif domain containing 11; plus strand), LOC107985728 (collagen alpha-1(III) chain-like; minus strand). Cytogenetic location: 1p36.33.
Variant type: single nucleotide variant.
Coding change: c.87G>C on transcript NM_001385641.1 (MANE Select); coding-DNA position 87, G replaced by C.
Protein change: p.Pro29=; no amino-acid change (proline 29 retained).
Molecular consequence: synonymous variant.
Genome position (GRCh38, 1-based): chr1:924,518, G>C. VCF-style: chr1-924518-G-C. GRCh37 (hg19) VCF-style: chr1-859898-G-C.
Other names: c.87G>C, p.Pro29= (NM_001385640.1).
Identifiers: ClinVar variation 3388928 (VCV003388928.14).

ClinVar aggregate classification (germline): Likely benign (1 of 4 stars; one submission).

gnomAD v4.1: 2 of 149,788 alleles (0.0013%); highest among the groups gnomAD compares: Non-Finnish European, 0.003%; no homozygotes.

Submission:

CeGaT Center for Human Genetics Tuebingen
Classification: Likely benign. Last evaluated: 2024-10-01. Review status: criteria provided, single submitter. Criteria: CeGaT Center For Human Genetics Tuebingen Variant Classification Criteria Version 2. Collection method: clinical testing. Allele origin: germline. Affected: yes. Observed: 1 variant allele.
Comment: SAMD11: BP4, BP7